The following is an entry in ClinVar:

NM_080424.4(SP110):c.1286A>G (p.Lys429Arg)

Gene: SP110 (SP110 nuclear body protein; minus strand). Cytogenetic location: 2q37.1.
Variant type: single nucleotide variant.
Coding change: c.1286A>G on transcript NM_080424.4 (MANE Select); coding-DNA position 1286, A replaced by G.
Protein change: p.Lys429Arg; replaces lysine 429 with arginine.
Molecular consequence: missense variant.
Genome position (GRCh38, 1-based): chr2:230,183,634, T>C on the plus strand (A>G on the coding strand, the complement: SP110 is on the minus strand). VCF-style: chr2-230183634-T-C. GRCh37 (hg19) VCF-style: chr2-231048350-T-C.
Other names: c.1304A>G, p.Lys435Arg (NM_001185015.2, NM_001378442.1, NM_001378444.1 and 2 more transcripts); c.1286A>G, p.Lys429Arg (NM_001378443.1, NM_004509.5, NM_004510.4); c.1136A>G, p.Lys379Arg (NM_001378447.1); short protein forms K379R, K435R, K429R.
Identifiers: ClinVar variation 897251 (VCV000897251.8), dbSNP rs751347896, ClinGen allele CA2154555.

ClinVar aggregate classification (germline): Uncertain significance. Review status: criteria provided, multiple submitters, no conflicts (2 of 4 stars). 2 submissions from 2 submitters: Uncertain significance (2). Last evaluated 2022-02-28.

Conditions:
Hepatic veno-occlusive disease-immunodeficiency syndrome. Also called: Hepatic Veno-Occlusive Disease with Immunodeficiency. Identifiers: Orphanet 79124, MedGen C1856128, MONDO:0009338, OMIM 235550. Disease mechanism: loss of function.

Allele frequency attached by ClinVar (database versions not stated): TOPMed below 0.00001; gnomAD exomes 0.00001; ExAC 0.00002.
gnomAD v4.1: 12 of 1,548,732 alleles (0.00077%); highest among the groups gnomAD compares: Non-Finnish European, 0.00098%; no homozygotes.

Submissions (2):

Labcorp Genetics (formerly Invitae), Labcorp
Classification: Uncertain significance for Hepatic veno-occlusive disease-immunodeficiency syndrome. Last evaluated: 2022-02-28. Review status: criteria provided, single submitter. Criteria: Invitae Variant Classification Sherloc (09022015). Collection method: clinical testing. Allele origin: germline.
Comment: In summary, the available evidence is currently insufficient to determine the role of this variant in disease. Therefore, it has been classified as a Variant of Uncertain Significance. Algorithms developed to predict the effect of missense changes on protein structure and function output the following: SIFT: "Tolerated"; PolyPhen-2: "Benign"; Align-GVGD: "Class C0". The arginine amino acid residue is found in multiple mammalian species, which suggests that this missense change does not adversely affect protein function. ClinVar contains an entry for this variant (Variation ID: 897251). This variant has not been reported in the literature in individuals affected with SP110-related conditions. This variant is present in population databases (rs751347896, gnomAD 0.003%). This sequence change replaces lysine, which is basic and polar, with arginine, which is basic and polar, at codon 429 of the SP110 protein (p.Lys429Arg).

Illumina Laboratory Services, Illumina
Classification: Uncertain significance for Hepatic veno-occlusive disease-immunodeficiency syndrome. Last evaluated: 2018-01-12. Review status: criteria provided, single submitter. Criteria: ICSL Variant Classification Criteria 13 December 2019. Collection method: clinical testing. Allele origin: germline.